The following is an entry in ClinVar:

NM_000238.4(KCNH2):c.2964A>G (p.Ser988=)

Gene: KCNH2 (potassium voltage-gated channel subfamily H member 2; minus strand). Cytogenetic location: 7q36.1.
Variant type: single nucleotide variant.
Coding change: c.2964A>G on transcript NM_000238.4 (MANE Select); coding-DNA position 2964, A replaced by G.
Protein change: p.Ser988=; no amino-acid change (serine 988 retained).
Molecular consequence: synonymous variant.
Genome position (GRCh38, 1-based): chr7:150,947,607, T>C on the plus strand (A>G on the coding strand, the complement: KCNH2 is on the minus strand). VCF-style: chr7-150947607-T-C. GRCh37 (hg19) VCF-style: chr7-150644695-T-C.
Other names: c.1944A>G, p.Ser648= (NM_172057.3).
Identifiers: ClinVar variation 925332 (VCV000925332.8), dbSNP rs1800955277, ClinGen allele CA458870762.

ClinVar aggregate classification (germline): Uncertain significance. Review status: criteria provided, multiple submitters, no conflicts (2 of 4 stars). 2 submissions from 2 submitters: Uncertain significance (2). Last evaluated 2024-02-22.

Conditions:
Cardiac arrhythmia. Also called: Cardiac rhythm disease; Arrhythmia. Identifiers: MedGen C0003811, MONDO:0007263, HP:0011675.
Long QT syndrome (LQTS). Identifiers: MedGen C0023976, MeSH D008133, MONDO:0002442. Disease mechanism: loss of function. Inheritance: Various modes of inheritance.

Submissions (2):

All of Us Research Program, National Institutes of Health
Classification: Uncertain significance for Long QT syndrome. Last evaluated: 2024-02-22. Review status: criteria provided, single submitter. Criteria: ACMG Guidelines, 2015. Collection method: clinical testing. Allele origin: germline. Inheritance: Autosomal dominant inheritance. Observed: 1 variant allele, 1 heterozygote.
Comment: This synonymous variant does not change the amino acid sequence of the KCNH2 protein. However, splice site prediction tools suggest that this variant may impact RNA splicing. To our knowledge, functional studies have not been reported for this variant. This variant has not been reported in individuals affected with cardiovascular disorders in the literature. This variant has not been identified in the general population by the Genome Aggregation Database (gnomAD). The available evidence is insufficient to determine the role of this variant in disease conclusively. Therefore, this variant is classified as a Variant of Uncertain Significance.

This study involves interpretation of variants in research participants for the purpose of population health screening. Participant phenotype was not available at the time of variant classification. Additional details can be found in publication PMID: 35346344, PMCID: PMC8962531

Color Diagnostics, LLC DBA Color Health
Classification: Uncertain significance for Cardiac arrhythmia. Last evaluated: 2024-02-08. Review status: criteria provided, single submitter. Criteria: ACMG Guidelines, 2015. Collection method: clinical testing. Allele origin: germline.
Comment: This synonymous variant does not change the amino acid sequence of the KCNH2 protein. However, splice site prediction tools suggest that this variant may impact RNA splicing. To our knowledge, functional studies have not been reported for this variant. This variant has not been reported in individuals affected with cardiovascular disorders in the literature. This variant has not been identified in the general population by the Genome Aggregation Database (gnomAD). The available evidence is insufficient to determine the role of this variant in disease conclusively. Therefore, this variant is classified as a Variant of Uncertain Significance.